The following is an entry in ClinVar:

NM_003072.5(SMARCA4):c.715G>C (p.Gly239Arg)

Gene: SMARCA4 (SWI/SNF related BAF chromatin remodeling complex subunit ATPase 4; plus strand). Cytogenetic location: 19p13.2.
Variant type: single nucleotide variant.
Coding change: c.715G>C on transcript NM_003072.5 (MANE Select); coding-DNA position 715, G replaced by C.
Protein change: p.Gly239Arg; replaces glycine 239 with arginine.
Molecular consequence: missense variant. On other transcripts: non-coding transcript variant (1).
Genome position (GRCh38, 1-based): chr19:10,986,548, G>C. VCF-style: chr19-10986548-G-C. GRCh37 (hg19) VCF-style: chr19-11097224-G-C.
Other names: c.715G>C, p.Gly239Arg (NM_001128844.3, NM_001128845.2, NM_001128846.2 and 6 more transcripts); short protein forms G239R.
Identifiers: ClinVar variation 3446027 (VCV003446027.1).

ClinVar aggregate classification (germline): Uncertain significance (1 of 4 stars; one submission).

Conditions:
Hereditary cancer-predisposing syndrome. Also called: Tumor predisposition; Neoplastic Syndromes, Hereditary; Hereditary neoplastic syndrome; Hereditary Cancer Syndrome. Identifiers: Orphanet 140162, MedGen C0027672, MeSH D009386, MONDO:0015356.

Submission:

Ambry Genetics
Classification: Uncertain significance for Hereditary cancer-predisposing syndrome. Last evaluated: 2024-12-04. Review status: criteria provided, single submitter. Criteria: Ambry Variant Classification Scheme 2023. Collection method: clinical testing. Allele origin: germline.
Comment: The p.G239R variant (also known as c.715G>C), located in coding exon 3 of the SMARCA4 gene, results from a G to C substitution at nucleotide position 715. The glycine at codon 239 is replaced by arginine, an amino acid with dissimilar properties. This amino acid position is highly conserved in available vertebrate species. In addition, the in silico prediction for this alteration is inconclusive. Based on the available evidence, the clinical significance of this variant remains unclear.